The following is an entry in ClinVar:

ClinVar aggregate classification (germline): Likely benign. Review status: criteria provided, single submitter (1 of 4 stars). 2 submissions from 2 submitters: Likely benign (1). 1 of the submissions does not count toward it. Last evaluated 2025-02-24.

Conditions:
PSEN2-related disorder. Also called: PSEN2-related condition.
Alzheimer disease 4 (AD4). Identifiers: Orphanet 1020, MedGen C1847200, MONDO:0011743, OMIM 606889.

Allele frequency attached by ClinVar (database versions not stated): gnomAD 0.00005; TOPMed 0.00005; ExAC 0.00007; gnomAD exomes 0.00008; ESP Exome Variant Server 0.00046.
gnomAD v4.1: 120 of 1,614,020 alleles (0.0074%); highest among the groups gnomAD compares: Non-Finnish European, 0.0097%; no homozygotes.

Submissions (2):

Labcorp Genetics (formerly Invitae), Labcorp
Classification: Likely benign for Alzheimer disease 4. Last evaluated: 2025-02-24. Review status: criteria provided, single submitter. Criteria: Invitae Variant Classification Sherloc (09022015). Collection method: clinical testing. Allele origin: germline.

PreventionGenetics, part of Exact Sciences
Classification: Likely benign for PSEN2-related condition. Last evaluated: 2023-11-16. Review status: no assertion criteria provided. Collection method: clinical testing. Allele origin: germline. Not counted in ClinVar's aggregate classification.
Comment: This variant is classified as likely benign based on ACMG/AMP sequence variant interpretation guidelines (Richards et al. 2015 PMID: 25741868, with internal and published modifications).

NM_000447.3(PSEN2):c.588T>C (p.Asn196=)

Gene: PSEN2 (presenilin 2; plus strand). Cytogenetic location: 1q42.13.
Variant type: single nucleotide variant.
Coding change: c.588T>C on transcript NM_000447.3 (MANE Select); coding-DNA position 588, T replaced by C.
Protein change: p.Asn196=; no amino-acid change (asparagine 196 retained).
Molecular consequence: synonymous variant.
Genome position (GRCh38, 1-based): chr1:226,888,850, T>C. VCF-style: chr1-226888850-T-C. GRCh37 (hg19) VCF-style: chr1-227076551-T-C.
Other names: c.588T>C, p.Asn196= (NM_012486.3); c.588T>C (NM_000447.2).
Identifiers: ClinVar variation 2857944 (VCV002857944.5), dbSNP rs144629723, ClinGen allele CA1424591.